The following is an entry in ClinVar:

NM_147127.5(EVC2):c.199_208dup (p.Gly70fs)

Gene: EVC2 (EvC ciliary complex subunit 2; minus strand). Cytogenetic location: 4p16.2.
Variant type: Duplication.
Coding change: c.199_208dup on transcript NM_147127.5 (MANE Select); coding-DNA positions 199 to 208, 10 bases duplicated (AGCGGGGCGG; older notation c.199_208dupAGCGGGGCGG).
Protein change: p.Gly70fs; shifts the reading frame from glycine 70.
Molecular consequence: frameshift variant. On other transcripts: intron variant (1).
Genome position (GRCh38, 1-based): chr4:5,708,306-5,708,315, CCGCCCCGCT duplicated on the plus strand (AGCGGGGCGG on the coding strand, the reverse complement: EVC2 is on the minus strand); duplicating any 10 consecutive bases within chr4:5,708,306-5,708,323 gives the same sequence; the c. name uses the placement nearest the transcript's 3' end. VCF-style (leftmost placement, unchanged base first): chr4-5708305-C-CCCGCCCCGCT. GRCh37 (hg19) VCF-style: chr4-5710032-C-CCCGCCCCGCT.
Other names: c.-13+514_-13+523dup (NM_001166136.2); short protein forms G70fs.
Identifiers: ClinVar variation 2944953 (VCV002944953.3), dbSNP rs1420414097, ClinGen allele CA2740091151.

ClinVar aggregate classification (germline): Pathogenic (1 of 4 stars; one submission).

Conditions:
Curry-Hall syndrome (WAD). Also called: WEYERS ACRODENTAL DYSOSTOSIS. Identifiers: Orphanet 952, MedGen C0457013, MONDO:0008673, OMIM 193530.
Ellis-van Creveld syndrome (EVC). Also called: EVC-Related Ellis-van Creveld Syndrome; EVC2-Related Ellis-van Creveld Syndrome; MESOECTODERMAL DYSPLASIA; Chondroectodermal dysplasia. Identifiers: Orphanet 289, MedGen C0013903, MONDO:0009162, OMIM 225500.

Submission:

Labcorp Genetics (formerly Invitae), Labcorp
Classification: Pathogenic for Curry-Hall syndrome; Ellis-van Creveld syndrome. Last evaluated: 2023-03-04. Review status: criteria provided, single submitter. Criteria: Invitae Variant Classification Sherloc (09022015). Collection method: clinical testing. Allele origin: germline.
Comment: This variant is not present in population databases (gnomAD no frequency). This sequence change creates a premature translational stop signal (p.Gly70Glufs*26) in the EVC2 gene. It is expected to result in an absent or disrupted protein product. Loss-of-function variants in EVC2 are known to be pathogenic (PMID: 17024374, 19810119, 19876929). For these reasons, this variant has been classified as Pathogenic. This variant has not been reported in the literature in individuals affected with EVC2-related conditions.

Literature cited by the submitters: PubMed 17024374; PubMed 19810119; PubMed 19876929.